The following is an entry in ClinVar:

ClinVar aggregate classification (germline): Likely benign. Review status: criteria provided, single submitter (1 of 4 stars). 2 submissions from 2 submitters: Likely benign (1). 1 of the submissions does not count toward it. Last evaluated 2023-12-18.

Conditions:
SLC26A1-related disorder. Also called: SLC26A1-related condition.

Allele frequency attached by ClinVar (database versions not stated): ExAC 0.00009; gnomAD 0.00014; TOPMed 0.00017.
gnomAD v4.1: 83 of 1,601,414 alleles (0.0052%); highest among the groups gnomAD compares: Admixed American, 0.11%; no homozygotes.

Submissions (2):

Labcorp Genetics (formerly Invitae), Labcorp
Classification: Likely benign. Last evaluated: 2023-12-18. Review status: criteria provided, single submitter. Criteria: Invitae Variant Classification Sherloc (09022015). Collection method: clinical testing. Allele origin: germline.

PreventionGenetics, part of Exact Sciences
Classification: Likely benign for SLC26A1-related condition. Last evaluated: 2019-11-12. Review status: no assertion criteria provided. Collection method: clinical testing. Allele origin: germline. Not counted in ClinVar's aggregate classification.
Comment: This variant is classified as likely benign based on ACMG/AMP sequence variant interpretation guidelines (Richards et al. 2015 PMID: 25741868, with internal and published modifications).

NM_022042.4(SLC26A1):c.1320C>T (p.Ser440=)

Genes: IDUA (alpha-L-iduronidase; plus strand), SLC26A1 (solute carrier family 26 member 1; minus strand). Cytogenetic location: 4p16.3.
Variant type: single nucleotide variant.
Coding change: c.1320C>T on transcript NM_022042.4 (MANE Select); coding-DNA position 1320, C replaced by T.
Protein change: p.Ser440=; no amino-acid change (serine 440 retained).
Molecular consequence: synonymous variant. On other transcripts: intron variant (2).
Genome position (GRCh38, 1-based): chr4:989,619, G>A on the plus strand (C>T on the coding strand, the complement: SLC26A1 is on the minus strand). VCF-style: chr4-989619-G-A. GRCh37 (hg19) VCF-style: chr4-983407-G-A.
Other names: c.1320C>T, p.Ser440= (NM_213613.4); c.576+1509C>T (NM_134425.4); c.299+1670G>A (NM_000203.5).
Identifiers: ClinVar variation 2706651 (VCV002706651.5), dbSNP rs754470755, ClinGen allele CA2801407.
Genomic context (GRCh38, chr4:989,619, plus strand): 5'-GAGGTCCCACACCTTGCGCAGGGCCCCCCGCAGGCTGACCACGATGACGCAGGCCAGCAC[G>A]CTTCGCTGTAGGTCGTGGAACAGCGGTGCCAGCGCCAGCAGCACCAGCAGCACCACGGTG-3'
Protein context (NP_071325.2, residues 430-450): LAPLFHDLQR[Ser440=]VLACVIVVSL